The following is an entry in ClinVar:

ClinVar aggregate classification (germline): Uncertain significance. Review status: criteria provided, multiple submitters, no conflicts (2 of 4 stars). 3 submissions from 3 submitters: Uncertain significance (3). Last evaluated 2025-09-16.

Conditions:
Cardiovascular phenotype. Identifiers: MedGen CN230736.
RASopathy. Also called: Noonan spectrum disorder; rasopathies. Identifiers: Orphanet 536391, MedGen C5555857, MONDO:0021060.

Allele frequency attached by ClinVar (database versions not stated): gnomAD exomes below 0.00001.
gnomAD v4.1: 1 of 1,614,048 alleles (0.000062%); highest among the groups gnomAD compares: Non-Finnish European, 0.000085%; no homozygotes.

Submissions (3):

Ambry Genetics
Classification: Uncertain significance for Cardiovascular phenotype. Last evaluated: 2025-09-16. Review status: criteria provided, single submitter. Criteria: Ambry Variant Classification Scheme 2023. Collection method: clinical testing. Allele origin: germline.

Labcorp Genetics (formerly Invitae), Labcorp
Classification: Uncertain significance for RASopathy. Last evaluated: 2022-03-09. Review status: criteria provided, single submitter. Criteria: Invitae Variant Classification Sherloc (09022015). Collection method: clinical testing. Allele origin: germline.
Comment: This variant is present in population databases (rs397516886, gnomAD 0.0009%). This sequence change replaces threonine, which is neutral and polar, with alanine, which is neutral and non-polar, at codon 395 of the BRAF protein (p.Thr395Ala). This variant has not been reported in the literature in individuals affected with BRAF-related conditions. In summary, the available evidence is currently insufficient to determine the role of this variant in disease. Therefore, it has been classified as a Variant of Uncertain Significance. Advanced modeling of protein sequence and biophysical properties (such as structural, functional, and spatial information, amino acid conservation, physicochemical variation, residue mobility, and thermodynamic stability) performed at Invitae indicates that this missense variant is not expected to disrupt BRAF protein function. ClinVar contains an entry for this variant (Variation ID: 44795).

Laboratory for Molecular Medicine, Mass General Brigham Personalized Medicine
Classification: Uncertain significance. Last evaluated: 2009-06-10. Review status: criteria provided, single submitter. Criteria: LMM Criteria. Collection method: clinical testing. Allele origin: germline. Observed: 1 variant allele.

NM_004333.6(BRAF):c.1183A>G (p.Thr395Ala)

Gene: BRAF (B-Raf proto-oncogene, serine/threonine kinase; minus strand). Cytogenetic location: 7q34.
Variant type: single nucleotide variant.
Coding change: c.1183A>G on transcript NM_004333.6 (MANE Select); coding-DNA position 1183, A replaced by G.
Protein change: p.Thr395Ala; replaces threonine 395 with alanine.
Molecular consequence: missense variant. On other transcripts: intron variant (2).
Genome position (GRCh38, 1-based): chr7:140,783,152, T>C on the plus strand (A>G on the coding strand, the complement: BRAF is on the minus strand). VCF-style: chr7-140783152-T-C. GRCh37 (hg19) VCF-style: chr7-140482952-T-C.
Other names: c.1183A>G, p.Thr395Ala (NM_001354609.2, NM_001378468.1, NM_001378474.1); c.1303A>G, p.Thr435Ala (NM_001374244.1, NM_001374258.1); c.1192A>G, p.Thr398Ala (NM_001378467.1); c.1081A>G, p.Thr361Ala (NM_001378470.1); c.1027A>G, p.Thr343Ala (NM_001378472.1, NM_001378473.1); c.919A>G, p.Thr307Ala (NM_001378475.1); c.1141-69A>G (NM_001378471.1); c.1178-61A>G (NM_001378469.1); short protein forms T395A, T361A, T398A, T307A, T343A, T435A.
Identifiers: ClinVar variation 44795 (VCV000044795.13), dbSNP rs397516886, ClinGen allele CA135049.
Genomic context (GRCh38, chr7:140,783,152, plus strand): 5'-CTTTCACGTTAGTTAGTGAGCCAGGTAATGAGGCAGGGGGGGTAGCAGACAAACCTGTGG[T>C]TGATCCTAAATTAGTGAAAAGAAAAATGTATACATTAAGGAGGAGCAAGTATGTTAATTT-3'
Protein context (NP_004324.2, residues 385-405): DQGFRGDGGS[Thr395Ala]TGLSATPPAS